The following is an entry in ClinVar:

NM_001374828.1(ARID1B):c.900G>C (p.Val300=)

Genes: ARID1B (AT-rich interaction domain 1B; plus strand), LOC129997525 (ATAC-STARR-seq lymphoblastoid silent region 17712; plus strand). Cytogenetic location: 6q25.3.
Variant type: single nucleotide variant.
Coding change: c.900G>C on transcript NM_001374828.1 (MANE Select); coding-DNA position 900, G replaced by C.
Protein change: p.Val300=; no amino-acid change (valine 300 retained).
Molecular consequence: synonymous variant.
Genome position (GRCh38, 1-based): chr6:156,778,580, G>C. VCF-style: chr6-156778580-G-C. GRCh37 (hg19) VCF-style: chr6-157099714-G-C.
Other names: c.651G>C, p.Val217= (NM_001346813.1, NM_020732.3); c.900G>C, p.Val300= (NM_001371656.1, NM_001374820.1, NM_017519.3); c.477G>C, p.Val159= (NM_175863.2).
Identifiers: ClinVar variation 3052126 (VCV003052126.2), dbSNP rs1778866146, ClinGen allele CA452989153.

ClinVar aggregate classification (germline): Likely benign (0 of 4 stars; one submission).

Conditions:
ARID1B-Related Disorder. Identifiers: MedGen CN381337.

Submission:

PreventionGenetics, part of Exact Sciences
Classification: Likely benign for ARID1B-related condition. Last evaluated: 2020-02-13. Review status: no assertion criteria provided. Collection method: clinical testing. Allele origin: germline.
Comment: This variant is classified as likely benign based on ACMG/AMP sequence variant interpretation guidelines (Richards et al. 2015 PMID: 25741868, with internal and published modifications).